The following is an entry in ClinVar:

ClinVar aggregate classification (germline): Uncertain significance (1 of 4 stars; one submission).

Submission:

Labcorp Genetics (formerly Invitae), Labcorp
Classification: Uncertain significance. Last evaluated: 2022-09-23. Review status: criteria provided, single submitter. Criteria: Invitae Variant Classification Sherloc (09022015). Collection method: clinical testing. Allele origin: germline.
Comment: Experimental studies and prediction algorithms are not available or were not evaluated, and the functional significance of this variant is currently unknown. This variant has not been reported in the literature in individuals affected with EFL1-related conditions. This variant results in a copy number gain of the genomic region encompassing exon(s) 2-14 of the EFL1 gene. This region includes the initiator codon of the gene. This copy number gain extends beyond the assayed region for this gene and therefore may encompass additional genes. As the precise location of this event is unknown, it may be in tandem or it may be located elsewhere in the genome. In summary, the available evidence is currently insufficient to determine the role of this variant in disease. Therefore, it has been classified as a Variant of Uncertain Significance.

NC_000015.9:g.(?_82511973)_(82554119_?)dup

Gene: EFL1 (elongation factor like GTPase 1; minus strand). Cytogenetic location: 15q25.2.
Variant type: Duplication.
Identifiers: ClinVar variation 1445030 (VCV001445030.5).